The following is an entry in ClinVar:

ClinVar aggregate classification (germline): Uncertain significance. Review status: criteria provided, multiple submitters, no conflicts (2 of 4 stars). 2 submissions from 2 submitters: Uncertain significance (2). Last evaluated 2025-04-16.

Conditions:
Inborn genetic diseases. Identifiers: MedGen C0950123, MeSH D030342.

Allele frequency attached by ClinVar (database versions not stated): gnomAD exomes below 0.00001.
gnomAD v4.1: 1 of 1,613,998 alleles (0.000062%); highest among the groups gnomAD compares: Non-Finnish European, 0.000085%; no homozygotes.

Submissions (2):

Labcorp Genetics (formerly Invitae), Labcorp
Classification: Uncertain significance. Last evaluated: 2025-04-16. Review status: criteria provided, single submitter. Criteria: Invitae Variant Classification Sherloc (09022015). Collection method: clinical testing. Allele origin: germline.
Comment: This sequence change replaces tryptophan, which is neutral and slightly polar, with cysteine, which is neutral and slightly polar, at codon 602 of the SLC24A1 protein (p.Trp602Cys). This variant is not present in population databases (gnomAD no frequency). This variant has not been reported in the literature in individuals affected with SLC24A1-related conditions. ClinVar contains an entry for this variant (Variation ID: 1440879). An algorithm developed to predict the effect of missense changes on protein structure and function (PolyPhen-2) suggests that this variant is likely to be disruptive. In summary, the available evidence is currently insufficient to determine the role of this variant in disease. Therefore, it has been classified as a Variant of Uncertain Significance.

Ambry Genetics
Classification: Uncertain significance for Inborn genetic diseases. Last evaluated: 2024-11-10. Review status: criteria provided, single submitter. Criteria: Ambry Variant Classification Scheme 2023. Collection method: clinical testing. Allele origin: germline.

NM_004727.3(SLC24A1):c.1806G>C (p.Trp602Cys)

Gene: SLC24A1 (solute carrier family 24 member 1; plus strand). Cytogenetic location: 15q22.31.
Variant type: single nucleotide variant.
Coding change: c.1806G>C on transcript NM_004727.3 (MANE Select); coding-DNA position 1806, G replaced by C.
Protein change: p.Trp602Cys; replaces tryptophan 602 with cysteine.
Molecular consequence: missense variant.
Genome position (GRCh38, 1-based): chr15:65,625,886, G>C. VCF-style: chr15-65625886-G-C. GRCh37 (hg19) VCF-style: chr15-65918224-G-C.
Other names: c.1806G>C, p.Trp602Cys (NM_001301031.1, NM_001301032.1, NM_001301033.2); c.1806G>C (NM_004727.2); short protein forms W602C.
Identifiers: ClinVar variation 1440879 (VCV001440879.7), dbSNP rs2141474039, ClinGen allele CA392918701.
Genomic context (GRCh38, chr15:65,625,886, plus strand): 5'-CTGGTGGGAGAGCCTGCTGCTGCTGCTGGCCTATGCCTTCTATGTGTTCACCATGAAGTG[G>C]AACAAGCATATCGAGGTCTGGGTGAAGGAGCAGCTCAGCAGGAGGCCAGTGGCCAAGGTC-3'
Protein context (NP_004718.1, residues 592-612): AYAFYVFTMK[Trp602Cys]NKHIEVWVKE